The following is an entry in ClinVar:

NM_005876.5(SPEG):c.9528C>T (p.Gly3176=)

Genes: ASIC4-AS1 (ASIC4 antisense RNA 1; minus strand), SPEG (striated muscle enriched protein kinase; plus strand). Cytogenetic location: 2q35.
Variant type: single nucleotide variant.
Coding change: c.9528C>T on transcript NM_005876.5 (MANE Select); coding-DNA position 9528, C replaced by T.
Protein change: p.Gly3176=; no amino-acid change (glycine 3176 retained).
Molecular consequence: synonymous variant.
Genome position (GRCh38, 1-based): chr2:219,492,177, C>T. VCF-style: chr2-219492177-C-T. GRCh37 (hg19) VCF-style: chr2-220356899-C-T.
Identifiers: ClinVar variation 3693939 (VCV003693939.3).

ClinVar aggregate classification (germline): Likely benign. Review status: criteria provided, multiple submitters, no conflicts (2 of 4 stars). 2 submissions from 2 submitters: Likely benign (2). Last evaluated 2026-08-01.

Submissions (2):

CeGaT Center for Human Genetics Tuebingen
Classification: Likely benign. Last evaluated: 2026-08-01. Review status: criteria provided, single submitter. Criteria: CeGaT Center For Human Genetics Tuebingen Variant Classification Criteria Version 2. Collection method: clinical testing. Allele origin: germline. Affected: yes. Observed: 1 variant allele.
Comment: SPEG: PM2:Supporting, BP4, BP7

Labcorp Genetics (formerly Invitae), Labcorp
Classification: Likely benign. Last evaluated: 2024-04-02. Review status: criteria provided, single submitter. Criteria: Invitae Variant Classification Sherloc (09022015). Collection method: clinical testing. Allele origin: germline.